The following is an entry in ClinVar:

NM_003049.4(SLC10A1):c.1015T>C (p.Tyr339His)

Gene: SLC10A1 (solute carrier family 10 member 1; minus strand). Cytogenetic location: 14q24.1.
Variant type: single nucleotide variant.
Coding change: c.1015T>C on transcript NM_003049.4 (MANE Select); coding-DNA position 1015, T replaced by C.
Protein change: p.Tyr339His; replaces tyrosine 339 with histidine.
Molecular consequence: missense variant.
Genome position (GRCh38, 1-based): chr14:69,776,317, A>G on the plus strand (T>C on the coding strand, the complement: SLC10A1 is on the minus strand). VCF-style: chr14-69776317-A-G. GRCh37 (hg19) VCF-style: chr14-70243034-A-G.
Other names: short protein forms Y339H.
Identifiers: ClinVar variation 4986596 (VCV004986596.1).

ClinVar aggregate classification (germline): Uncertain significance (1 of 4 stars; one submission).

Conditions:
SLC10A1-related disorder. Also called: SLC10A1-related condition.

gnomAD v4.1: 5 of 1,613,674 alleles (0.00031%); highest among the groups gnomAD compares: Middle Eastern, 0.018%; no homozygotes.

Submission:

PreventionGenetics, part of Exact Sciences
Classification: Uncertain significance for SLC10A1-related condition. Last evaluated: 2025-03-12. Review status: criteria provided, single submitter. Criteria: ACMG Guidelines, 2015. Collection method: clinical testing. Allele origin: germline.
Comment: The SLC10A1 c.1015T>C variant is predicted to result in the amino acid substitution p.Tyr339His. To our knowledge, this variant has not been reported in the literature. This variant is reported in 0.00088% of alleles in individuals of European (Non-Finnish) descent in gnomAD. At this time, the clinical significance of this variant is uncertain due to the absence of conclusive functional and genetic evidence.